The following is an entry in ClinVar:

ClinVar aggregate classification (germline): Uncertain significance (1 of 4 stars; one submission).

Conditions:
Familial intrahepatic cholestasis. Identifiers: Orphanet 284385, MedGen CN296401, MONDO:0017290.

Submission:

Genomenon, Inc
Classification: Uncertain significance for Familial intrahepatic cholestasis. Last evaluated: 2026-04-14. Review status: criteria provided, single submitter. Criteria: Genomenon Sequence Variant Interpretation Standards - Updated. Collection method: curation. Allele origin: germline. Affected: yes.
Comment: ABCB4 p.Ala198Thr (c.592G>A) is a missense variant that changes the amino acid at residue 198 from Alanine to Threonine. This variant has been observed in at least one proband with an ABCB4-related disorder (PMID:40200381). It is absent or not present at a significant frequency in gnomAD. In silico models predict that this variant is possibly or probably damaging. In conclusion, we classify ABCB4 p.Ala198Thr (c.592G>A) as a variant of uncertain significance.

Literature cited by the submitters: PubMed 40200381.

NM_000443.4(ABCB4):c.592G>A (p.Ala198Thr)

Gene: ABCB4 (ATP binding cassette subfamily B member 4; minus strand). Cytogenetic location: 7q21.12.
Variant type: single nucleotide variant.
Coding change: c.592G>A on transcript NM_000443.4 (MANE Select); coding-DNA position 592, G replaced by A.
Protein change: p.Ala198Thr; replaces alanine 198 with threonine.
Molecular consequence: missense variant.
Genome position (GRCh38, 1-based): chr7:87,451,739, C>T on the plus strand (G>A on the coding strand, the complement: ABCB4 is on the minus strand). VCF-style: chr7-87451739-C-T. GRCh37 (hg19) VCF-style: chr7-87081055-C-T.
Other names: c.592G>A, p.Ala198Thr (NM_018849.3, NM_018850.3); short protein forms A198T.
Identifiers: ClinVar variation 4846388 (VCV004846388.1).